The following is an entry in ClinVar:

NM_000100.4(CSTB):c.169G>T (p.Val57Leu)

Gene: CSTB (cystatin B; minus strand). Cytogenetic location: 21q22.3.
Variant type: single nucleotide variant.
Coding change: c.169G>T on transcript NM_000100.4 (MANE Select); coding-DNA position 169, G replaced by T.
Protein change: p.Val57Leu; replaces valine 57 with leucine.
Molecular consequence: missense variant.
Genome position (GRCh38, 1-based): chr21:43,774,330, C>A on the plus strand (G>T on the coding strand, the complement: CSTB is on the minus strand). VCF-style: chr21-43774330-C-A. GRCh37 (hg19) VCF-style: chr21-45194211-C-A.
Other names: short protein forms V57L.
Identifiers: ClinVar variation 898861 (VCV000898861.13), dbSNP rs796052394, ClinGen allele CA410408076.

ClinVar aggregate classification (germline): Uncertain significance. Review status: criteria provided, multiple submitters, no conflicts (2 of 4 stars). 2 submissions from 2 submitters: Uncertain significance (2). Last evaluated 2024-01-02.

Conditions:
Progressive myoclonic epilepsy. Also called: Familial progressive myoclonic epilepsy; Myoclonic Epilepsies, Progressive; Progressive myoclonus epilepsy; Myoclonus epilepsy. Identifiers: Orphanet 308, Orphanet 98261, MedGen C0751778, MONDO:0020074.
Unverricht-Lundborg syndrome. Also called: Unverricht-Lundborg Disease; EPILEPSY, PROGRESSIVE MYOCLONIC, 1A; Epilepsy, progressive myoclonic 1A (Unverricht and Lundborg); Progressive myoclonus epilepsy baltic myoclonic epilepsy; Myoclonus progressive epilepsy of Unverricht and Lundborg; Myoclonic epilepsy of unverricht and lundborg. Identifiers: Orphanet 308, MedGen C0751785, MONDO:0009698, OMIM 254800.

Allele frequency attached by ClinVar (database versions not stated): gnomAD 0.00001.

Submissions (2):

Labcorp Genetics (formerly Invitae), Labcorp
Classification: Uncertain significance for Progressive myoclonic epilepsy. Last evaluated: 2024-01-02. Review status: criteria provided, single submitter. Criteria: Invitae Variant Classification Sherloc (09022015). Collection method: clinical testing. Allele origin: germline.
Comment: This sequence change replaces valine, which is neutral and non-polar, with leucine, which is neutral and non-polar, at codon 57 of the CSTB protein (p.Val57Leu). This variant is present in population databases (no rsID available, gnomAD 0.0009%). This variant has not been reported in the literature in individuals affected with CSTB-related conditions. ClinVar contains an entry for this variant (Variation ID: 898861). An algorithm developed to predict the effect of missense changes on protein structure and function (PolyPhen-2) suggests that this variant is likely to be disruptive. Algorithms developed to predict the effect of sequence changes on RNA splicing suggest that this variant may disrupt the consensus splice site. In summary, the available evidence is currently insufficient to determine the role of this variant in disease. Therefore, it has been classified as a Variant of Uncertain Significance.

Illumina Laboratory Services, Illumina
Classification: Uncertain significance for Unverricht-Lundborg syndrome. Last evaluated: 2018-01-12. Review status: criteria provided, single submitter. Criteria: ICSL Variant Classification Criteria 13 December 2019. Collection method: clinical testing. Allele origin: germline.